The following is an entry in ClinVar:

NM_007194.4(CHEK2):c.157T>A (p.Ser53Thr)

Gene: CHEK2 (checkpoint kinase 2; minus strand). Cytogenetic location: 22q12.1.
Variant type: single nucleotide variant.
Coding change: c.157T>A on transcript NM_007194.4 (MANE Select); coding-DNA position 157, T replaced by A.
Protein change: p.Ser53Thr; replaces serine 53 with threonine.
Molecular consequence: missense variant.
Genome position (GRCh38, 1-based): chr22:28,734,565, A>T on the plus strand (T>A on the coding strand, the complement: CHEK2 is on the minus strand). VCF-style: chr22-28734565-A-T. GRCh37 (hg19) VCF-style: chr22-29130553-A-T.
Other names: c.157T>A, p.Ser53Thr (NM_001005735.3, NM_001349956.3, NM_145862.3); c.-621T>A (NM_001257387.3); short protein forms S53T.
Identifiers: ClinVar variation 133888 (VCV000133888.45), dbSNP rs371657037, ClinGen allele CA158095.
Genomic context (GRCh38, chr22:28,734,565, plus strand): 5'-AATAGAGTTCCTGAGTGGACACTGTCTCTAAGGAGCTCAGTGTCCCAGAGCTGGAGTGAG[A>T]GGACTGGCTGGAGTTTGGCATCGTGCTGGTAGAGGAGCTGGATATGCCCTGGGACTGTGA-3'
Protein context (NP_009125.1, residues 43-63): TSTMPNSSQS[Ser53Thr]HSSSGTLSSL

ClinVar aggregate classification (germline): Conflicting classifications of pathogenicity. Review status: criteria provided, conflicting classifications (1 of 4 stars). 16 submissions from 16 submitters: Uncertain significance (12); Benign (1); Likely benign (1). 2 of the submissions do not count toward it. Last evaluated 2026-01-28.

Conditions:
CHEK2-related cancer predisposition (TPDS4). Also called: TUMOR PREDISPOSITION SYNDROME 4; CANCER PREDISPOSITION SYNDROME, CHEK2-RELATED; CHEK2-related cancer susceptibility. Identifiers: Orphanet 524, MedGen C5882668, MONDO:0700271, OMIM 609265.
Bone osteosarcoma. Also called: Osteosarcoma, somatic. Identifiers: Orphanet 668, MedGen C0585442, MONDO:0002629, OMIM 259500.
Familial cancer of breast. Also called: Hereditary breast cancer; hereditary breast carcinoma; BREAST CANCER, FAMILIAL. Identifiers: Orphanet 227535, MedGen C0346153, MONDO:0016419, OMIM 114480. Disease mechanism: loss of function.
Prostate cancer. Also called: Malignant tumor of prostate. Identifiers: Orphanet 1331, MedGen C0376358, MONDO:0008315, HP:0012125.
Hereditary cancer-predisposing syndrome. Also called: Tumor predisposition; Hereditary neoplastic syndrome; Neoplastic Syndromes, Hereditary; Hereditary Cancer Syndrome. Identifiers: Orphanet 140162, MedGen C0027672, MeSH D009386, MONDO:0015356.
Breast-ovarian cancer, familial, susceptibility to, 2 (BROVCA2). Also called: BRCA2 Hereditary Breast and Ovarian Cancer. Identifiers: Orphanet 145, MedGen C2675520, MONDO:0012933, OMIM 612555. Disease mechanism: loss of function.
Li-Fraumeni syndrome (LFS). Also called: Sarcoma family syndrome of Li and Fraumeni. Identifiers: Orphanet 524, MedGen C0085390, MONDO:0018875.

Allele frequency attached by ClinVar (database versions not stated): ExAC 0.00002; gnomAD 0.00002; TOPMed 0.00002; ESP Exome Variant Server 0.00008.
gnomAD v4.1: 48 of 1,613,876 alleles (0.003%); highest among the groups gnomAD compares: Middle Eastern, 0.016%; no homozygotes.

Submissions 1 to 9 of 16:

Labcorp Genetics (formerly Invitae), Labcorp
Classification: Uncertain significance for Familial cancer of breast. Last evaluated: 2026-01-28. Review status: criteria provided, single submitter. Criteria: Invitae Variant Classification Sherloc (09022015). Collection method: clinical testing. Allele origin: germline.
Comment: This sequence change replaces serine, which is neutral and polar, with threonine, which is neutral and polar, at codon 53 of the CHEK2 protein (p.Ser53Thr). This variant is present in population databases (rs371657037, gnomAD 0.01%). This missense change has been observed in individual(s) with Wilms tumor or breast cancer (PMID: 30344923, 35534704). ClinVar contains an entry for this variant (Variation ID: 133888). An algorithm developed to predict the effect of missense changes on protein structure and function (PolyPhen-2) suggests that this variant is likely to be disruptive. Experimental studies have shown that this missense change does not substantially affect CHEK2 function (PMID: 37449874). In summary, the available evidence is currently insufficient to determine the role of this variant in disease. Therefore, it has been classified as a Variant of Uncertain Significance.

Dasa
Classification: Uncertain significance. Last evaluated: 2025-08-19. Review status: criteria provided, single submitter. Criteria: DASA Assertion Criteria. Collection method: clinical testing. Allele origin: germline.
Comment: NM_007194.4(CHEK2):c.157T>A (p.Ser53Thr) is a missense variant that results in the substitution of serine with threonine. This variant is rare in population databases. Computational prediction algorithms are consistent with a benign effect. The currently available literature and clinical evidence are not sufficient to establish a definitive association between this variant and the reported condition. Therefore, this variant is classified as a variant of uncertain significance.

CeGaT Center for Human Genetics Tuebingen
Classification: Uncertain significance. Last evaluated: 2025-07-01. Review status: criteria provided, single submitter. Criteria: CeGaT Center For Human Genetics Tuebingen Variant Classification Criteria Version 2. Collection method: clinical testing. Allele origin: germline. Affected: yes. Observed: 1 variant allele.

GeneDx
Classification: Uncertain significance. Last evaluated: 2025-06-09. Review status: criteria provided, single submitter. Criteria: GeneDx Variant Classification Process June 2021. Collection method: clinical testing. Allele origin: germline. Affected: yes.
Comment: Identified in individuals with breast or colorectal cancer, but also present in unaffected controls (PMID: 24728327, 32658311, 33471991); Not observed at significant frequency in large population cohorts (gnomAD); In silico analysis suggests that this missense variant does not alter protein structure/function; Published functional studies demonstrate no damaging effect: KAP1 and CHK2 kinase activity comparable to wild-type (PMID: 37449874); This variant is associated with the following publications: (PMID: 31398194, 30344923, 33471991, 24728327, 32658311, 22419737, Ates2022[Article], 35534704, 22114986, 11733767, 37449874)

Color Diagnostics, LLC DBA Color Health
Classification: Uncertain significance for Hereditary cancer-predisposing syndrome. Last evaluated: 2025-03-31. Review status: criteria provided, single submitter. Criteria: ACMG Guidelines, 2015. Collection method: clinical testing. Allele origin: germline.
Comment: This missense variant replaces serine with threonine at codon 53 of the CHEK2 protein. Computational prediction suggests that this variant may not impact protein structure and function. To our knowledge, functional studies have not been reported for this variant. This variant has been reported in individuals affected with ovarian cancer (DOI: 10.26650/experimed.1187969) and breast cancer (PMID: 33471991), as well as in unaffected control individuals (PMID: 24728327, 32658311, 33471991). This variant has been identified in 12/251418 chromosomes in the general population by the Genome Aggregation Database (gnomAD). The available evidence is insufficient to determine the role of this variant in disease conclusively. Therefore, this variant is classified as a Variant of Uncertain Significance.

Baylor Genetics
Classification: Uncertain significance for Familial cancer of breast. Last evaluated: 2024-02-24. Review status: criteria provided, single submitter. Criteria: ACMG Guidelines, 2015. Collection method: clinical testing. Allele origin: unknown.

Ambry Genetics
Classification: Uncertain significance for Hereditary cancer-predisposing syndrome. Last evaluated: 2024-02-19. Review status: criteria provided, single submitter. Criteria: Ambry Variant Classification Scheme 2023. Collection method: clinical testing. Allele origin: germline.
Comment: The p.S53T variant (also known as c.157T>A), located in coding exon 1 of the CHEK2 gene, results from a T to A substitution at nucleotide position 157. The serine at codon 53 is replaced by threonine, an amino acid with similar properties. This alteration was detected by genome sequencing in an ancestrally diverse cohort of 681 healthy individuals (Bodian DL et al. PLoS One. 2014 Apr 11;9(4):e94554). This alteration was seen in 0/732 breast cancer patients, 0/189 colorectal cancer patients and 1/490 cancer-free elderly controls in a Turkish population (Akcay IM et al. Int J Cancer, 2021 01;148:285-295). In another study, this variant was reported in 5/60,466 breast cancer cases and in 3/53,461 controls (Dorling et al. N Engl J Med 2021 02;384:428-439). This alteration was reported as functional in a study assessing CHEK2-complementation through quantification of KAP1 phosphorylation and CHK2 autophosphorylation in human RPE1-CHEK2-knockout cells (Stolarova L et al. Clin Cancer Res. 2023 Aug;29(16):3037-3050). This amino acid position is highly conserved in available vertebrate species. In addition, the in silico prediction for this alteration is inconclusive. Since supporting evidence is limited at this time, the clinical significance of this alteration remains unclear.

Women's Health and Genetics/Laboratory Corporation of America, LabCorp
Classification: Uncertain significance. Last evaluated: 2023-12-12. Review status: criteria provided, single submitter. Criteria: LabCorp Variant Classification Summary - May 2015. Collection method: clinical testing. Allele origin: germline.
Comment: Variant summary: CHEK2 c.157T>A (p.Ser53Thr) results in a conservative amino acid change in the encoded protein sequence. Three of five in-silico tools predict a damaging effect of the variant on protein function. The variant allele was found at a frequency of 4.8e-05 in 251418 control chromosomes (gnomAD). This frequency is not significantly higher than estimated for a pathogenic variant in CHEK2 causing Hereditary Breast And Ovarian Cancer Syndrome (4.8e-05 vs 0.00031), allowing no conclusion about variant significance. c.157T>A has been reported in the literature in individuals affected with breast cancer (e.g. Dorling_2021, de Oliveira_2022) and also in unaffected controls (e.g. Bodian_2014, Ackay_2021, Dorling_2021). These reports do not provide unequivocal conclusions about association of the variant with Hereditary Breast And Ovarian Cancer Syndrome. A co-occurrence with a pathogenic variant has been reported in an individual with a personal and family history of breast cancer (BRCA1 c.5074+2T>C; de Oliveira_2022), providing supporting evidence for a benign role. To our knowledge, no experimental evidence demonstrating an impact on protein function has been reported. The following publications have been ascertained in the context of this evaluation (PMID: 32658311, 24728327, 30344923, 33471991, 35534704). Nine submitters have cited clinical-significance assessments for this variant to ClinVar after 2014. Eight submitters have classified the variant as uncertain significance and one classified it as likely benign. Based on the evidence outlined above, the variant was classified as uncertain significance.

Myriad Genetics, Inc.
Classification: Likely benign for Familial cancer of breast. Last evaluated: 2023-03-09. Review status: criteria provided, single submitter. Criteria: Myriad Autosomal Dominant, Autosomal Recessive and X-Linked Classification Criteria (2023). Collection method: clinical testing. Allele origin: unknown.
Comment: This variant is considered likely benign. This variant is strongly associated with less severe personal and family histories of cancer, typical for individuals without pathogenic variants in this gene [PMID: 25085752].